The following is an entry in ClinVar:

ClinVar aggregate classification (germline): Uncertain significance. Review status: criteria provided, multiple submitters, no conflicts (2 of 4 stars). 2 submissions from 2 submitters: Uncertain significance (2). Last evaluated 2025-03-31.

Allele frequency attached by ClinVar (database versions not stated): gnomAD 0.00001; TOPMed 0.00002; ExAC 0.00003.
gnomAD v4.1: 20 of 1,610,576 alleles (0.0012%); highest among the groups gnomAD compares: South Asian, 0.0044%; no homozygotes.

Submissions (2):

Labcorp Genetics (formerly Invitae), Labcorp
Classification: Uncertain significance. Last evaluated: 2025-03-31. Review status: criteria provided, single submitter. Criteria: Invitae Variant Classification Sherloc (09022015). Collection method: clinical testing. Allele origin: germline.
Comment: This sequence change replaces proline, which is neutral and non-polar, with threonine, which is neutral and polar, at codon 1448 of the DOCK6 protein (p.Pro1448Thr). This variant is present in population databases (rs752588379, gnomAD 0.01%). This variant has not been reported in the literature in individuals affected with DOCK6-related conditions. ClinVar contains an entry for this variant (Variation ID: 2167305). Invitae Evidence Modeling of protein sequence and biophysical properties (such as structural, functional, and spatial information, amino acid conservation, physicochemical variation, residue mobility, and thermodynamic stability) indicates that this missense variant is not expected to disrupt DOCK6 protein function with a negative predictive value of 80%. In summary, the available evidence is currently insufficient to determine the role of this variant in disease. Therefore, it has been classified as a Variant of Uncertain Significance.

Blueprint Genetics
Classification: Uncertain significance. Last evaluated: 2019-08-16. Review status: criteria provided, single submitter. Criteria: ACMG Guidelines, 2015. Collection method: clinical testing. Allele origin: germline.

NM_020812.4(DOCK6):c.4342C>A (p.Pro1448Thr)

Genes: DOCK6 (dedicator of cytokinesis 6; minus strand), DOCK6-AS1 (DOCK6 antisense RNA 1; plus strand). Cytogenetic location: 19p13.2.
Variant type: single nucleotide variant.
Coding change: c.4342C>A on transcript NM_020812.4 (MANE Select); coding-DNA position 4342, C replaced by A.
Protein change: p.Pro1448Thr; replaces proline 1448 with threonine.
Molecular consequence: missense variant.
Genome position (GRCh38, 1-based): chr19:11,213,325, G>T on the plus strand (C>A on the coding strand, the complement: DOCK6 is on the minus strand). VCF-style: chr19-11213325-G-T. GRCh37 (hg19) VCF-style: chr19-11324001-G-T.
Other names: c.4447C>A, p.Pro1483Thr (NM_001367830.1); short protein forms P1448T, P1483T.
Identifiers: ClinVar variation 2167305 (VCV002167305.5), dbSNP rs752588379, ClinGen allele CA9206888.